The following is an entry in ClinVar:

ClinVar aggregate classification (germline): Uncertain significance (1 of 4 stars; one submission).

Conditions:
Mowat-Wilson syndrome (MOWS). Also called: Classic Mowat-Wilson Syndrome. Identifiers: Orphanet 2152, MedGen C1856113, MONDO:0009341, OMIM 235730.

Allele frequency attached by ClinVar (database versions not stated): gnomAD exomes below 0.00001; TOPMed below 0.00001.
gnomAD v4.1: 4 of 1,614,200 alleles (0.00025%); highest among the groups gnomAD compares: Admixed American, 0.0017%; no homozygotes.

Submission:

Labcorp Genetics (formerly Invitae), Labcorp
Classification: Uncertain significance for Mowat-Wilson syndrome. Last evaluated: 2024-04-02. Review status: criteria provided, single submitter. Criteria: Invitae Variant Classification Sherloc (09022015). Collection method: clinical testing. Allele origin: germline.
Comment: This sequence change replaces valine, which is neutral and non-polar, with phenylalanine, which is neutral and non-polar, at codon 503 of the ZEB2 protein (p.Val503Phe). This variant is present in population databases (no rsID available, gnomAD 0.003%). This variant has not been reported in the literature in individuals affected with ZEB2-related conditions. ClinVar contains an entry for this variant (Variation ID: 2116570). Advanced modeling of protein sequence and biophysical properties (such as structural, functional, and spatial information, amino acid conservation, physicochemical variation, residue mobility, and thermodynamic stability) performed at Invitae indicates that this missense variant is expected to disrupt ZEB2 protein function with a positive predictive value of 80%. In summary, the available evidence is currently insufficient to determine the role of this variant in disease. Therefore, it has been classified as a Variant of Uncertain Significance.

NM_014795.4(ZEB2):c.1507G>T (p.Val503Phe)

Gene: ZEB2 (zinc finger E-box binding homeobox 2; minus strand). Cytogenetic location: 2q22.3.
Variant type: single nucleotide variant.
Coding change: c.1507G>T on transcript NM_014795.4 (MANE Select); coding-DNA position 1507, G replaced by T.
Protein change: p.Val503Phe; replaces valine 503 with phenylalanine.
Molecular consequence: missense variant.
Genome position (GRCh38, 1-based): chr2:144,399,680, C>A on the plus strand (G>T on the coding strand, the complement: ZEB2 is on the minus strand). VCF-style: chr2-144399680-C-A. GRCh37 (hg19) VCF-style: chr2-145157247-C-A.
Other names: c.1435G>T, p.Val479Phe (NM_001171653.2); short protein forms V479F, V503F.
Identifiers: ClinVar variation 2116570 (VCV002116570.4), dbSNP rs1203180157, ClinGen allele CA348711229.